The following is an entry in ClinVar:

NM_058216.3(RAD51C):c.596T>C (p.Phe199Ser)

Gene: RAD51C (RAD51 paralog C; plus strand). Cytogenetic location: 17q22.
Variant type: single nucleotide variant.
Coding change: c.596T>C on transcript NM_058216.3 (MANE Select); coding-DNA position 596, T replaced by C.
Protein change: p.Phe199Ser; replaces phenylalanine 199 with serine.
Molecular consequence: missense variant. On other transcripts: non-coding transcript variant (1).
Genome position (GRCh38, 1-based): chr17:58,703,220, T>C. VCF-style: chr17-58703220-T-C. GRCh37 (hg19) VCF-style: chr17-56780581-T-C.
Other names: c.*24T>C (NM_058217.1); short protein forms F199S.
Identifiers: ClinVar variation 3228956 (VCV003228956.1), dbSNP rs2509299271, ClinGen allele CA400349211.

ClinVar aggregate classification (germline): Uncertain significance (1 of 4 stars; one submission).

Conditions:
Hereditary cancer-predisposing syndrome. Also called: Neoplastic Syndromes, Hereditary; Tumor predisposition; Hereditary neoplastic syndrome; Hereditary Cancer Syndrome. Identifiers: Orphanet 140162, MedGen C0027672, MeSH D009386, MONDO:0015356.

Allele frequency attached by ClinVar (database versions not stated): gnomAD exomes below 0.00001.
gnomAD v4.1: 1 of 1,611,056 alleles (0.000062%); highest among the groups gnomAD compares: Non-Finnish European, 0.000085%; no homozygotes.

Submission:

Ambry Genetics
Classification: Uncertain significance for Hereditary cancer-predisposing syndrome. Last evaluated: 2024-01-31. Review status: criteria provided, single submitter. Criteria: Ambry Variant Classification Scheme 2023. Collection method: clinical testing. Allele origin: germline.
Comment: The p.F199S variant (also known as c.596T>C), located in coding exon 4 of the RAD51C gene, results from a T to C substitution at nucleotide position 596. The phenylalanine at codon 199 is replaced by serine, an amino acid with highly dissimilar properties. This amino acid position is conserved. In addition, the in silico prediction for this alteration is inconclusive. Based on the available evidence, the clinical significance of this alteration remains unclear.